The following is an entry in ClinVar:

NM_020738.4(KIDINS220):c.4502G>A (p.Ser1501Asn)

Gene: KIDINS220 (kinase D interacting substrate 220; minus strand). Cytogenetic location: 2p25.1.
Variant type: single nucleotide variant.
Coding change: c.4502G>A on transcript NM_020738.4 (MANE Select); coding-DNA position 4502, G replaced by A.
Protein change: p.Ser1501Asn; replaces serine 1501 with asparagine.
Molecular consequence: missense variant. On other transcripts: intron variant (6).
Genome position (GRCh38, 1-based): chr2:8,731,534, C>T on the plus strand (G>A on the coding strand, the complement: KIDINS220 is on the minus strand). VCF-style: chr2-8731534-C-T. GRCh37 (hg19) VCF-style: chr2-8871664-C-T.
Other names: c.4505G>A, p.Ser1502Asn (NM_001348729.2); c.4448G>A, p.Ser1483Asn (NM_001348731.2); c.4445G>A, p.Ser1482Asn (NM_001348732.2); c.4334G>A, p.Ser1445Asn (NM_001348734.2); c.4331G>A, p.Ser1444Asn (NM_001348735.2); c.4205G>A, p.Ser1402Asn (NM_001348736.2); c.3882+1910G>A (NM_001348741.2, NM_001348742.2, NM_001348743.2); c.3996+1910G>A (NM_001348738.2); and 2 more; short protein forms S1402N, S1444N, S1482N, S1483N, S1501N, S1445N, S1502N.
Identifiers: ClinVar variation 1962123 (VCV001962123.6), dbSNP rs772961189, ClinGen allele CA345764091.

ClinVar aggregate classification (germline): Uncertain significance. Review status: criteria provided, single submitter (1 of 4 stars). 2 submissions from 2 submitters: Uncertain significance (1). 1 of the submissions does not count toward it. Last evaluated 2022-06-24.

Conditions:
KIDINS220-related disorder. Also called: KIDINS220-related condition.

Allele frequency attached by ClinVar (database versions not stated): gnomAD 0.00001; TOPMed 0.00001.
gnomAD v4.1: 2 of 1,614,106 alleles (0.00012%); highest among the groups gnomAD compares: African/African-American, 0.0027%; no homozygotes.

Submissions (2):

Labcorp Genetics (formerly Invitae), Labcorp
Classification: Uncertain significance. Last evaluated: 2022-06-24. Review status: criteria provided, single submitter. Criteria: Invitae Variant Classification Sherloc (09022015). Collection method: clinical testing. Allele origin: germline.
Comment: In summary, the available evidence is currently insufficient to determine the role of this variant in disease. Therefore, it has been classified as a Variant of Uncertain Significance. Algorithms developed to predict the effect of missense changes on protein structure and function (SIFT, PolyPhen-2, Align-GVGD) all suggest that this variant is likely to be tolerated. This variant has not been reported in the literature in individuals affected with KIDINS220-related conditions. This variant is not present in population databases (gnomAD no frequency). This sequence change replaces serine, which is neutral and polar, with asparagine, which is neutral and polar, at codon 1501 of the KIDINS220 protein (p.Ser1501Asn).

PreventionGenetics, part of Exact Sciences
Classification: Uncertain significance for KIDINS220-related condition. Last evaluated: 2024-07-26. Review status: no assertion criteria provided. Collection method: clinical testing. Allele origin: germline. Not counted in ClinVar's aggregate classification.
Comment: The KIDINS220 c.4502G>A variant is predicted to result in the amino acid substitution p.Ser1501Asn. To our knowledge, this variant has not been reported in the literature or in a large population database, indicating this variant is rare. At this time, the clinical significance of this variant is uncertain due to the absence of conclusive functional and genetic evidence.